The following is an entry in ClinVar:

ClinVar aggregate classification (germline): Benign. Review status: criteria provided, multiple submitters, no conflicts (2 of 4 stars). 2 submissions from 2 submitters: Benign (2). Last evaluated 2018-01-13.

Conditions:
Peroxisome biogenesis disorder 2A (Zellweger) (PBD2A). Also called: Cerebrohepatorenal syndrome, variant types. Identifiers: Orphanet 912, MedGen C3550273, MONDO:0008954, OMIM 214110.

Allele frequency attached by ClinVar (database versions not stated): 1000 Genomes Project 0.00799; TOPMed 0.00815; 1000 Genomes Project 30x 0.00921.
gnomAD v4.1: 1,159 of 172,408 alleles (0.67%); highest among the groups gnomAD compares: African/African-American, 2.7%; 15 homozygotes.

Submissions (2):

Illumina Laboratory Services, Illumina
Classification: Benign for Peroxisome biogenesis disorder 2A (Zellweger). Last evaluated: 2018-01-13. Review status: criteria provided, single submitter. Criteria: ICSL Variant Classification Criteria 13 December 2019. Collection method: clinical testing. Allele origin: germline.
Comment: This variant was observed in the ICSL laboratory as part of a predisposition screen in an ostensibly healthy population. It had not been previously curated by ICSL or reported in the Human Gene Mutation Database (HGMD: prior to June 1st, 2018), and was therefore a candidate for classification through an automated scoring system. Utilizing variant allele frequency, disease prevalence and penetrance estimates, and inheritance mode, an automated score was calculated to assess if this variant is too frequent to cause the disease. Based on the score and internal cut-off values, a variant classified as benign is not then subjected to further curation. The score for this variant resulted in a classification of benign for this disease.

Breakthrough Genomics
Classification: Benign. Review status: criteria provided, single submitter. Criteria: ACMG Guidelines, 2015. Collection method: not provided. Allele origin: germline. Inheritance: Autosomal recessive inheritance. Affected: yes.

NM_001351132.2(PEX5):c.*628G>C

Gene: PEX5 (peroxisomal biogenesis factor 5; plus strand). Cytogenetic location: 12p13.31.
Variant type: single nucleotide variant.
Coding change: c.*628G>C on transcript NM_001351132.2 (MANE Select); 628 bases downstream of the stop codon, G replaced by C.
Molecular consequence: 3 prime UTR variant. On other transcripts: intron variant (2).
Genome position (GRCh38, 1-based): chr12:7,210,851, G>C. VCF-style: chr12-7210851-G-C. GRCh37 (hg19) VCF-style: chr12-7363447-G-C.
Other names: c.*628G>C (NM_000319.5, NM_001131023.2, NM_001131024.2 and 20 more transcripts); c.*19+609G>C (NM_001131026.2, NM_001374646.1).
Identifiers: ClinVar variation 884073 (VCV000884073.5), dbSNP rs12316371, ClinGen allele CA232478160.